The following is an entry in ClinVar:

ClinVar aggregate classification (germline): Pathogenic. Review status: criteria provided, single submitter (1 of 4 stars). 2 submissions from 2 submitters: Pathogenic (1). 1 of the submissions does not count toward it. Last evaluated 2022-05-23.

Conditions:
Aniridia 1 (AN1). Identifiers: Orphanet 250923, MedGen C0344542, MONDO:0024507, OMIM 106210.

Submissions (2):

GeneDx
Classification: Pathogenic. Last evaluated: 2022-05-23. Review status: criteria provided, single submitter. Criteria: GeneDx Variant Classification Process June 2021. Collection method: clinical testing. Allele origin: germline. Affected: yes.
Comment: Frameshift variant predicted to result in protein truncation or nonsense mediated decay in a gene for which loss of function is a known mechanism of disease; Not observed at significant frequency in large population cohorts (gnomAD); This variant is associated with the following publications: (PMID: 32360764, 9138149)

Wessex Regional Genetics Laboratory, Salisbury District Hospital
Classification: Pathogenic for Aniridia 1. Last evaluated: 2019-08-15. Review status: no assertion criteria provided. Criteria: ACMG Guidelines, 2015. Collection method: clinical testing. Allele origin: unknown. Inheritance: Autosomal dominant inheritance. Affected: yes. Not counted in ClinVar's aggregate classification.

NM_001368894.2(PAX6):c.753_754del (p.Phe252fs)

Gene: PAX6 (paired box 6; minus strand). Cytogenetic location: 11p13.
Variant type: Microsatellite.
Coding change: c.753_754del on transcript NM_001368894.2 (MANE Select); coding-DNA positions 753 to 754, 2 bases deleted (GT; older notation c.753_754delGT).
Protein change: p.Phe252fs; shifts the reading frame from phenylalanine 252.
Molecular consequence: frameshift variant.
Genome position (GRCh38, 1-based): chr11:31,794,085-31,794,086, AC deleted on the plus strand (GT on the coding strand, the reverse complement: PAX6 is on the minus strand); deleting any 2 consecutive bases within chr11:31,794,085-31,794,089 gives the same sequence; the c. name uses the placement nearest the transcript's 3' end. VCF-style (leftmost placement, unchanged base first): chr11-31794084-AAC-A. GRCh37 (hg19) VCF-style: chr11-31815632-AAC-A.
Other names: c.711_712del, p.Phe238fs (NM_000280.6, NM_001127612.3, NM_001258464.2 and 10 more transcripts); c.753_754del, p.Phe252fs (NM_001258462.3, NM_001258463.2, NM_001310158.2 and 6 more transcripts); c.303_304del, p.Phe102fs (NM_001310160.2, NM_001310161.3, NM_001368901.2 and 11 more transcripts); c.954_955del, p.Phe319fs (NM_001368910.2); c.756_757del, p.Phe253fs (NM_001368911.2); c.828_829del, p.Phe277fs (NM_001368918.2, NM_001368919.2); c.786_787del, p.Phe263fs (NM_001368920.2); c.552_553del, p.Phe185fs (NM_001368921.2, NM_001368922.2, NM_001368923.2 and 4 more transcripts); and 2 more; short protein forms F102fs, F171fs, F252fs, F277fs, F238fs, F253fs, F37fs, F263fs.
Identifiers: ClinVar variation 800451 (VCV000800451.3), dbSNP rs1592421398, ClinGen allele CA915948046.